The following is an entry in ClinVar:

NM_001194998.2(CEP152):c.1995T>C (p.His665=)

Gene: CEP152 (centrosomal protein 152; minus strand). Cytogenetic location: 15q21.1.
Variant type: single nucleotide variant.
Coding change: c.1995T>C on transcript NM_001194998.2 (MANE Select); coding-DNA position 1995, T replaced by C.
Protein change: p.His665=; no amino-acid change (histidine 665 retained).
Molecular consequence: synonymous variant.
Genome position (GRCh38, 1-based): chr15:48,768,242, A>G on the plus strand (T>C on the coding strand, the complement: CEP152 is on the minus strand). VCF-style: chr15-48768242-A-G. GRCh37 (hg19) VCF-style: chr15-49060439-A-G.
Other names: c.1995T>C (NM_001194998.1); c.1995T>C, p.His665= (NM_014985.4).
Identifiers: ClinVar variation 2645321 (VCV002645321.27), dbSNP rs1895271547, ClinGen allele CA490038831.
Genomic context (GRCh38, chr15:48,768,242, plus strand): 5'-CCAGGAGACAGTCGTCAGGCATCTATATAGACCTTACCTATCCACAGCTTCTTGTTTGTC[A>G]TGGTCAAAATCTTGTACCATTTGTCTCATTTGATTACATAAGTCTTGATTTGTATTTCTC-3'
Protein context (NP_001181927.1, residues 655-675): QMRQMVQDFD[His665=]DKQEAVDRCE

ClinVar aggregate classification (germline): Likely benign. Review status: criteria provided, multiple submitters, no conflicts (2 of 4 stars). 3 submissions from 3 submitters: Likely benign (2). 1 of the submissions does not count toward it. Last evaluated 2023-04-06.

Conditions:
CEP152-related disorder. Also called: CEP152-related disorders; CEP152-related condition. Identifiers: MedGen CN239248.

Allele frequency attached by ClinVar (database versions not stated): gnomAD exomes below 0.00001; TOPMed below 0.00001; gnomAD 0.00001.
gnomAD v4.1: 3 of 1,610,220 alleles (0.00019%); highest among the groups gnomAD compares: African/African-American, 0.0013%; no homozygotes.

Submissions (3):

Labcorp Genetics (formerly Invitae), Labcorp
Classification: Likely benign. Last evaluated: 2023-04-06. Review status: criteria provided, single submitter. Criteria: Invitae Variant Classification Sherloc (09022015). Collection method: clinical testing. Allele origin: germline.

CeGaT Center for Human Genetics Tuebingen
Classification: Likely benign. Last evaluated: 2022-05-01. Review status: criteria provided, single submitter. Criteria: CeGaT Center For Human Genetics Tuebingen Variant Classification Criteria Version 2. Collection method: clinical testing. Allele origin: germline. Affected: yes. Observed: 1 variant allele.
Comment: CEP152: BP4, BP7

PreventionGenetics, part of Exact Sciences
Classification: Likely benign for CEP152-related condition. Last evaluated: 2024-09-06. Review status: no assertion criteria provided. Collection method: clinical testing. Allele origin: germline. Not counted in ClinVar's aggregate classification.
Comment: This variant is classified as likely benign based on ACMG/AMP sequence variant interpretation guidelines (Richards et al. 2015 PMID: 25741868, with internal and published modifications).